The following is an entry in ClinVar:

NM_175929.3(FGF14):c.208+239793T>C

Gene: FGF14 (fibroblast growth factor 14; minus strand). Cytogenetic location: 13q33.1.
Variant type: single nucleotide variant.
Coding change: c.208+239793T>C on transcript NM_175929.3 (MANE Plus Clinical); 239793 bases into the intron after coding-DNA position 208, T replaced by C.
Molecular consequence: intron variant.
Genome position (GRCh38, 1-based): chr13:102,161,678, A>G on the plus strand (T>C on the coding strand, the complement: FGF14 is on the minus strand). VCF-style: chr13-102161678-A-G. GRCh37 (hg19) VCF-style: chr13-102814028-A-G.
Other names: c.52+239793T>C (NM_001321947.2); c.91+239793T>C (NM_001379342.1, NM_001321948.2, NM_001321945.2); c.-60+204767T>C (NM_001321946.2, NM_001321949.1); c.13+59019T>C (NM_001321938.2, NM_001321940.1, NM_001321933.1); c.208+239793T>C (NM_001321939.2, NM_001321937.2); c.7+132296T>C (NM_001321941.2); c.4+31359T>C (NM_001321944.1, NM_001321936.1, NM_001321932.1); c.-60+44189T>C (NM_001321943.1); and 4 more.
Identifiers: ClinVar variation 4822642 (VCV004822642.4).

ClinVar aggregate classification (germline): Benign (1 of 4 stars; one submission).

gnomAD v4.1: 250 of 54,960 alleles (0.45%); highest among the groups gnomAD compares: South Asian, 1.1%; 8 homozygotes.

Submission:

CeGaT Center for Human Genetics Tuebingen
Classification: Benign. Last evaluated: 2026-09-01. Review status: criteria provided, single submitter. Criteria: CeGaT Center For Human Genetics Tuebingen Variant Classification Criteria Version 2. Collection method: clinical testing. Allele origin: germline. Affected: yes. Observed: 4 variant alleles.
Comment: FGF14: BS1, BS2